The following is an entry in ClinVar:

ClinVar aggregate classification (germline): Uncertain significance (1 of 4 stars; one submission).

Conditions:
Nemaline myopathy 2 (NEM2). Also called: Nemaline myopathy 2, autosomal recessive. Identifiers: MedGen C1850569, MONDO:0009725, OMIM 256030.

Submission:

Labcorp Genetics (formerly Invitae), Labcorp
Classification: Uncertain significance for Nemaline myopathy 2. Last evaluated: 2019-08-08. Review status: criteria provided, single submitter. Criteria: Invitae Variant Classification Sherloc (09022015). Collection method: clinical testing. Allele origin: germline.
Comment: This variant has not been reported in the literature in individuals with NEB-related conditions. Algorithms developed to predict the effect of missense changes on protein structure and function are either unavailable or do not agree on the potential impact of this missense change (SIFT: "Deleterious"; PolyPhen-2: "Not Available"; Align-GVGD: "Class C0"). In summary, the available evidence is currently insufficient to determine the role of this variant in disease. Therefore, it has been classified as a Variant of Uncertain Significance. This variant is not present in population databases (ExAC no frequency). This sequence change replaces proline with leucine at codon 5693 of the NEB protein (p.Pro5693Leu). The proline residue is moderately conserved and there is a moderate physicochemical difference between proline and leucine.

NM_001164508.2(NEB):c.17078C>T (p.Pro5693Leu)

Gene: NEB (nebulin; minus strand). Cytogenetic location: 2q23.3.
Variant type: single nucleotide variant.
Coding change: c.17078C>T on transcript NM_001164508.2 (MANE Select); coding-DNA position 17078, C replaced by T.
Protein change: p.Pro5693Leu; replaces proline 5693 with leucine.
Molecular consequence: missense variant.
Genome position (GRCh38, 1-based): chr2:151,570,537, G>A on the plus strand (C>T on the coding strand, the complement: NEB is on the minus strand). VCF-style: chr2-151570537-G-A. GRCh37 (hg19) VCF-style: chr2-152427051-G-A.
Other names: c.17078C>T, p.Pro5693Leu (NM_001164507.2, NM_001271208.2); c.11975C>T, p.Pro3992Leu (NM_004543.5); short protein forms P5693L, P3992L.
Identifiers: ClinVar variation 956089 (VCV000956089.9), dbSNP rs2096588016, ClinGen allele CA348808683.